The following is an entry in ClinVar:

ClinVar aggregate classification (germline): Likely pathogenic (1 of 4 stars; one submission).

Conditions:
Ethylmalonic encephalopathy (EE). Also called: Syndrome of encephalopathy, petechiae, and ethylmalonic aciduria; EPEMA syndrome; Encephalopathy, petechiae, and ethylmalonic aciduria. Identifiers: Orphanet 51188, MedGen C1865349, MONDO:0011229, OMIM 602473. Disease mechanism: loss of function.

Submission:

Labcorp Genetics (formerly Invitae), Labcorp
Classification: Likely pathogenic for Ethylmalonic encephalopathy. Last evaluated: 2021-03-28. Review status: criteria provided, single submitter. Criteria: Invitae Variant Classification Sherloc (09022015). Collection method: clinical testing. Allele origin: germline.
Comment: This variant disrupts the p.Leu185 amino acid residue in ETHE1. Other variant(s) that disrupt this residue have been determined to be pathogenic (PMID: 14732903, 19289697, 20528888, 27830356). This suggests that this residue is clinically significant, and that variants that disrupt this residue are likely to be disease-causing. This variant has not been reported in the literature in individuals with ETHE1-related conditions. This variant is a gross deletion of the genomic region encompassing exon(s) 5-6 of the ETHE1 gene. This variant would be expected to be in-frame, preserving the integrity of the reading frame. In summary, the currently available evidence indicates that the variant is pathogenic, but additional data are needed to prove that conclusively. Therefore, this variant has been classified as Likely Pathogenic.

Literature cited by the submitters: PubMed 14732903; PubMed 19289697; PubMed 20528888; PubMed 27830356.

NC_000019.9:g.(?_44012086)_(44013026_?)del

Gene: ETHE1 (ETHE1 persulfide dioxygenase; minus strand). Cytogenetic location: 19q13.31.
Variant type: Deletion.
Identifiers: ClinVar variation 1519063 (VCV001519063.6).